The following is an entry in ClinVar:

NM_018486.3(HDAC8):c.635G>T (p.Gly212Val)

Gene: HDAC8 (histone deacetylase 8; minus strand). Cytogenetic location: Xq13.1.
Variant type: single nucleotide variant.
Coding change: c.635G>T on transcript NM_018486.3 (MANE Select); coding-DNA position 635, G replaced by T.
Protein change: p.Gly212Val; replaces glycine 212 with valine.
Molecular consequence: missense variant. On other transcripts: non-coding transcript variant (1).
Genome position (GRCh38, 1-based): chrX:72,489,035, C>A on the plus strand (G>T on the coding strand, the complement: HDAC8 is on the minus strand). VCF-style: chrX-72489035-C-A. GRCh37 (hg19) VCF-style: chrX-71708885-C-A.
Other names: c.362G>T, p.Gly121Val (NM_001166418.2); c.635G>T, p.Gly212Val (NM_001166419.2); c.284G>T, p.Gly95Val (NM_001166448.2); short protein forms G212V, G121V, G95V.
Identifiers: ClinVar variation 429764 (VCV000429764.2), dbSNP rs1131691579, ClinGen allele CA413639264.
Genomic context (GRCh38, chrX:72,489,035, plus strand): 5'-TGAATGGGCACATTTACACTGTAGTACCGTCCCTTCCCTAGGCCAACATCAGACACGTCA[C>A]CTGTTCCTATAAAAGAGAAGAGCACTATGATCAGTTATTAGGAACATGAGAACCCAGAAA-3'
Protein context (NP_060956.1, residues 202-222): KFSPGFFPGT[Gly212Val]DVSDVGLGKG

ClinVar aggregate classification (germline): Likely pathogenic (1 of 4 stars; one submission).

Submission:

GeneDx
Classification: Likely pathogenic. Last evaluated: 2015-09-06. Review status: criteria provided, single submitter. Criteria: GeneDx Variant Classification (06012015). Collection method: clinical testing. Allele origin: germline. Affected: yes.
Comment: The G212V variant in the HDAC8 gene has not been published as a pathogenic variant, nor has it been reported as a benign polymorphism to our knowledge. The G212V variant was not observed in approximately 6500 individuals of European and African American ancestry in the NHLBI Exome Sequencing Project, indicating it is not a common benign variant in these populations. The G212V variant is a conservative amino acid substitution, which is not likely to impact secondary protein structure as these residues share similar properties. This substitution occurs at a position that is conserved across species, and in silico analysis predicts this variant is probably damaging to the protein structure/function. The G212V variant is a strong candidate for a disease-causing variant